The following is an entry in ClinVar:

ClinVar aggregate classification (germline): Uncertain significance (1 of 4 stars; one submission).

Conditions:
Charcot-Marie-Tooth disease type 2. Also called: Charcot-Marie-Tooth type 2. Identifiers: Orphanet 64746, MedGen C0270914, MONDO:0018993.

Allele frequency attached by ClinVar (database versions not stated): gnomAD exomes below 0.00001; ExAC 0.00002; TOPMed below 0.00001.
gnomAD v4.1: 5 of 1,614,196 alleles (0.00031%); highest among the groups gnomAD compares: East Asian, 0.0022%; no homozygotes.

Submission:

Labcorp Genetics (formerly Invitae), Labcorp
Classification: Uncertain significance for Charcot-Marie-Tooth disease type 2. Last evaluated: 2023-01-26. Review status: criteria provided, single submitter. Criteria: Invitae Variant Classification Sherloc (09022015). Collection method: clinical testing. Allele origin: germline.
Comment: This sequence change replaces leucine, which is neutral and non-polar, with proline, which is neutral and non-polar, at codon 529 of the AARS protein (p.Leu529Pro). In summary, the available evidence is currently insufficient to determine the role of this variant in disease. Therefore, it has been classified as a Variant of Uncertain Significance. Algorithms developed to predict the effect of missense changes on protein structure and function (SIFT, PolyPhen-2, Align-GVGD) all suggest that this variant is likely to be disruptive. This variant has not been reported in the literature in individuals affected with AARS-related conditions. This variant is present in population databases (rs754480580, gnomAD 0.002%).

NM_001605.3(AARS1):c.1586T>C (p.Leu529Pro)

Gene: AARS1 (alanyl-tRNA synthetase 1; minus strand). Cytogenetic location: 16q22.1.
Variant type: single nucleotide variant.
Coding change: c.1586T>C on transcript NM_001605.3 (MANE Select); coding-DNA position 1586, T replaced by C.
Protein change: p.Leu529Pro; replaces leucine 529 with proline.
Molecular consequence: missense variant.
Genome position (GRCh38, 1-based): chr16:70,262,431, A>G on the plus strand (T>C on the coding strand, the complement: AARS1 is on the minus strand). VCF-style: chr16-70262431-A-G. GRCh37 (hg19) VCF-style: chr16-70296334-A-G.
Other names: short protein forms L529P.
Identifiers: ClinVar variation 3003502 (VCV003003502.3), dbSNP rs754480580, ClinGen allele CA8140752.
Genomic context (GRCh38, chr16:70,262,431, plus strand): 5'-ACCAGGTAGCCTTCGTCATAGATCTGGCCTCCTTGCTCAGCATAGAAACAGGTCTTGTCC[A>G]GCACCACTCCACACTCCTGGCCTGTGGACACCTCTTCCACGAACATCTTCTCCCTGCGCA-3'
Protein context (NP_001596.2, residues 519-539): VSTGQECGVV[Leu529Pro]DKTCFYAEQG